The following is an entry in ClinVar:

NM_000135.4(FANCA):c.1470+6A>G

Gene: FANCA (FA complementation group A; minus strand). Cytogenetic location: 16q24.3.
Variant type: single nucleotide variant.
Coding change: c.1470+6A>G on transcript NM_000135.4 (MANE Select); 6 bases into the intron after coding-DNA position 1470, A replaced by G.
Molecular consequence: intron variant.
Genome position (GRCh38, 1-based): chr16:89,784,848, T>C on the plus strand (A>G on the coding strand, the complement: FANCA is on the minus strand). VCF-style: chr16-89784848-T-C. GRCh37 (hg19) VCF-style: chr16-89851256-T-C.
Other names: c.1470+6A>G (NM_001286167.3, NM_000135.3).
Identifiers: ClinVar variation 2056960 (VCV002056960.6), dbSNP rs374035492, ClinGen allele CA8252328.
Genomic context (GRCh38, chr16:89,784,848, plus strand): 5'-GCAGTCCTCAGATGCAGCAGGTGAGCGAAGCACCAGAAATCATGGATGTGGCAGCCAGCT[T>C]CTCACCTGCAGGTACCGGGGAGACTCAAAAGGCACGAGTTCTGACAAGAACGTAAACAGG-3'

ClinVar aggregate classification (germline): Uncertain significance. Review status: criteria provided, multiple submitters, no conflicts (2 of 4 stars). 3 submissions from 3 submitters: Uncertain significance (3). Last evaluated 2025-05-15.

Conditions:
Fanconi anemia (FA). Also called: Fanconi's anemia. Identifiers: Orphanet 84, MedGen C0015625, MeSH D005199, MONDO:0019391.
Fanconi anemia complementation group A (FANCA). Also called: Fanconi anemia, group A; FANCA-Related Fanconi Anemia. Identifiers: Orphanet 84, MedGen C3469521, MONDO:0009215, OMIM 227650.

Allele frequency attached by ClinVar (database versions not stated): ExAC 0.00001; gnomAD 0.00001; TOPMed 0.00001; ESP Exome Variant Server 0.00008.
gnomAD v4.1: 2 of 1,606,494 alleles (0.00012%); highest among the groups gnomAD compares: African/African-American, 0.0013%; no homozygotes.

Submissions (3):

Quest Diagnostics Nichols Institute San Juan Capistrano
Classification: Uncertain significance. Last evaluated: 2025-05-15. Review status: criteria provided, single submitter. Criteria: Quest Diagnostics criteria. Collection method: clinical testing. Allele origin: unknown.
Comment: The FANCA c.1470+6A>G variant has not been reported in individuals with FANCA-related conditions in the published literature. The frequency of this variant in the general population (Genome Aggregation Database) is uninformative in the assessment of its pathogenicity. Analysis of this variant using software algorithms for the prediction of the effect of nucleotide changes on splicing yielded predictions that this variant does not affect FANCA mRNA splicing. Based on the available information, we are unable to determine the clinical significance of this variant.

Fulgent Genetics
Classification: Uncertain significance for Fanconi anemia complementation group A. Last evaluated: 2024-04-25. Review status: criteria provided, single submitter. Criteria: ACMG Guidelines, 2015. Collection method: clinical testing. Allele origin: germline.

Labcorp Genetics (formerly Invitae), Labcorp
Classification: Uncertain significance for Fanconi anemia. Last evaluated: 2024-02-24. Review status: criteria provided, single submitter. Criteria: Invitae Variant Classification Sherloc (09022015). Collection method: clinical testing. Allele origin: germline.
Comment: This sequence change falls in intron 15 of the FANCA gene. It does not directly change the encoded amino acid sequence of the FANCA protein. It affects a nucleotide within the consensus splice site. This variant is present in population databases (rs374035492, gnomAD 0.01%). This variant has not been reported in the literature in individuals affected with FANCA-related conditions. ClinVar contains an entry for this variant (Variation ID: 2056960). Variants that disrupt the consensus splice site are a relatively common cause of aberrant splicing (PMID: 17576681, 9536098). Algorithms developed to predict the effect of sequence changes on RNA splicing suggest that this variant is not likely to affect RNA splicing. In summary, the available evidence is currently insufficient to determine the role of this variant in disease. Therefore, it has been classified as a Variant of Uncertain Significance.

Literature cited by the submitters: PubMed 17576681 (cited by Labcorp Genetics (formerly Invitae), Labcorp); PubMed 9536098 (cited by Labcorp Genetics (formerly Invitae), Labcorp).